The following is an entry in ClinVar:

ClinVar aggregate classification (germline): Uncertain significance (1 of 4 stars; one submission).

Conditions:
Hypertrophic cardiomyopathy. Also called: HYPERTROPHIC MYOCARDIOPATHY. Identifiers: Orphanet 217569, MedGen C0007194, MeSH D002312, MONDO:0005045, HP:0001639.

Allele frequency attached by ClinVar (database versions not stated): gnomAD exomes below 0.00001.
gnomAD v4.1: 2 of 1,613,600 alleles (0.00012%); highest among the groups gnomAD compares: African/African-American, 0.0013%; no homozygotes.

Submission:

Labcorp Genetics (formerly Invitae), Labcorp
Classification: Uncertain significance for Hypertrophic cardiomyopathy. Last evaluated: 2022-12-30. Review status: criteria provided, single submitter. Criteria: Invitae Variant Classification Sherloc (09022015). Collection method: clinical testing. Allele origin: germline.
Comment: This sequence change replaces glycine, which is neutral and non-polar, with serine, which is neutral and polar, at codon 29 of the MYOZ2 protein (p.Gly29Ser). This variant is not present in population databases (gnomAD no frequency). This variant has not been reported in the literature in individuals affected with MYOZ2-related conditions. Advanced modeling of protein sequence and biophysical properties (such as structural, functional, and spatial information, amino acid conservation, physicochemical variation, residue mobility, and thermodynamic stability) performed at Invitae indicates that this missense variant is not expected to disrupt MYOZ2 protein function. In summary, the available evidence is currently insufficient to determine the role of this variant in disease. Therefore, it has been classified as a Variant of Uncertain Significance.

NM_016599.5(MYOZ2):c.85G>A (p.Gly29Ser)

Gene: MYOZ2 (myozenin 2; plus strand). Cytogenetic location: 4q26.
Variant type: single nucleotide variant.
Coding change: c.85G>A on transcript NM_016599.5 (MANE Select); coding-DNA position 85, G replaced by A.
Protein change: p.Gly29Ser; replaces glycine 29 with serine.
Molecular consequence: missense variant.
Genome position (GRCh38, 1-based): chr4:119,150,880, G>A. VCF-style: chr4-119150880-G-A. GRCh37 (hg19) VCF-style: chr4-120072035-G-A.
Other names: short protein forms G29S.
Identifiers: ClinVar variation 2824917 (VCV002824917.3), dbSNP rs2476784060, ClinGen allele CA358203395.